The following is an entry in ClinVar:

ClinVar aggregate classification (germline): Likely pathogenic. Review status: criteria provided, multiple submitters, no conflicts (2 of 4 stars). 2 submissions from 2 submitters: Likely pathogenic (2). Last evaluated 2025-12-19.

Conditions:
Hereditary hemochromatosis (HFE). Identifiers: MedGen C0392514, MONDO:0006507. Disease mechanism: loss of function.
TFR2-related disorder. Also called: TFR2-related condition.

Submissions (2):

PreventionGenetics, part of Exact Sciences
Classification: Likely pathogenic for TFR2-related condition. Last evaluated: 2025-12-19. Review status: criteria provided, single submitter. Criteria: ACMG Guidelines, 2015. Collection method: clinical testing. Allele origin: germline.
Comment: The TFR2 c.614+1G>C variant is predicted to disrupt the GT donor site and interfere with normal splicing. To our knowledge, this variant has not been reported in the literature or in a large population database, indicating this variant is rare. Variants that disrupt the consensus splice donor site in TFR2 are expected to be pathogenic. This variant is interpreted as likely pathogenic.

Labcorp Genetics (formerly Invitae), Labcorp
Classification: Likely pathogenic for Hereditary hemochromatosis. Last evaluated: 2018-08-29. Review status: criteria provided, single submitter. Criteria: Invitae Variant Classification Sherloc (09022015). Collection method: clinical testing. Allele origin: germline.
Comment: This sequence change affects a donor splice site in intron 4 of the TFR2 gene. It is expected to disrupt RNA splicing and likely results in an absent or disrupted protein product. This variant is not present in population databases (ExAC no frequency). This variant has not been reported in the literature in individuals with TFR2-related disease. Donor and acceptor splice site variants typically lead to a loss of protein function (PMID: 16199547), and loss-of-function variants in TFR2 are known to be pathogenic (PMID: 23600741, 26029709). In summary, the currently available evidence indicates that the variant is pathogenic, but additional data are needed to prove that conclusively. Therefore, this variant has been classified as Likely Pathogenic.

Literature cited by the submitters: PubMed 16199547 (cited by Labcorp Genetics (formerly Invitae), Labcorp); PubMed 23600741 (cited by Labcorp Genetics (formerly Invitae), Labcorp); PubMed 26029709 (cited by Labcorp Genetics (formerly Invitae), Labcorp).

NM_003227.4(TFR2):c.614+1G>C

Gene: TFR2 (transferrin receptor 2; minus strand). Cytogenetic location: 7q22.1.
Variant type: single nucleotide variant.
Coding change: c.614+1G>C on transcript NM_003227.4 (MANE Select); the canonical splice donor site of the intron after coding-DNA position 614, G replaced by C.
Molecular consequence: splice donor variant.
Genome position (GRCh38, 1-based): chr7:100,633,415, C>G on the plus strand (G>C on the coding strand, the complement: TFR2 is on the minus strand). VCF-style: chr7-100633415-C-G. GRCh37 (hg19) VCF-style: chr7-100231038-C-G.
Other names: c.101+1G>C (NM_001206855.3).
Identifiers: ClinVar variation 657099 (VCV000657099.8), dbSNP rs1584460907, ClinGen allele CA368534645.
Genomic context (GRCh38, chr7:100,633,415, plus strand): 5'-TGGTGAGCGCCCCGAGCCGCGTCCCCCTCCCCGCGCGCCCCCCGCCCGCGCGCGCACTCA[C>G]GGATCCGGGAATTGCAGCCCCACGTAGTGCGTGTCGGTCCACACGTGGTCCAGCTTCTGG-3'